The following is an entry in ClinVar:

NM_014014.5(SNRNP200):c.3889C>T (p.Pro1297Ser)

Gene: SNRNP200 (small nuclear ribonucleoprotein U5 subunit 200; minus strand). Cytogenetic location: 2q11.2.
Variant type: single nucleotide variant.
Coding change: c.3889C>T on transcript NM_014014.5 (MANE Select); coding-DNA position 3889, C replaced by T.
Protein change: p.Pro1297Ser; replaces proline 1297 with serine.
Molecular consequence: missense variant.
Genome position (GRCh38, 1-based): chr2:96,286,425, G>A on the plus strand (C>T on the coding strand, the complement: SNRNP200 is on the minus strand). VCF-style: chr2-96286425-G-A. GRCh37 (hg19) VCF-style: chr2-96952163-G-A.
Other names: short protein forms P1297S.
Identifiers: ClinVar variation 3609049 (VCV003609049.2).

ClinVar aggregate classification (germline): Uncertain significance (1 of 4 stars; one submission).

Submission:

Labcorp Genetics (formerly Invitae), Labcorp
Classification: Uncertain significance. Last evaluated: 2024-08-01. Review status: criteria provided, single submitter. Criteria: Invitae Variant Classification Sherloc (09022015). Collection method: clinical testing. Allele origin: germline.
Comment: This sequence change replaces proline, which is neutral and non-polar, with serine, which is neutral and polar, at codon 1297 of the SNRNP200 protein (p.Pro1297Ser). This variant is present in population databases (rs371511825, gnomAD 0.003%). This variant has not been reported in the literature in individuals affected with SNRNP200-related conditions. Advanced modeling of protein sequence and biophysical properties (such as structural, functional, and spatial information, amino acid conservation, physicochemical variation, residue mobility, and thermodynamic stability) performed at Invitae indicates that this missense variant is expected to disrupt SNRNP200 protein function with a positive predictive value of 80%. In summary, the available evidence is currently insufficient to determine the role of this variant in disease. Therefore, it has been classified as a Variant of Uncertain Significance.